The following is an entry in ClinVar:

ClinVar aggregate classification (germline): Uncertain significance. Review status: criteria provided, multiple submitters, no conflicts (2 of 4 stars). 8 submissions from 8 submitters: Uncertain significance (7). 1 of the submissions does not count toward it. Last evaluated 2023-10-25.

Conditions:
Charcot-Marie-Tooth disease type 4. Also called: Charcot-Marie-Tooth, Type 4; Charcot-Marie-Tooth disease, type IV. Identifiers: Orphanet 64749, MedGen C4082197, MONDO:0018995.
Inborn genetic diseases. Identifiers: MedGen C0950123, MeSH D030342.
Charcot-Marie-Tooth disease type 4F. Also called: Charcot-Marie-Tooth disease, demyelinating, type 4F. Identifiers: Orphanet 99952, MedGen C3540453, MONDO:0013959, OMIM 614895.
Dejerine-Sottas disease. Also called: DEJERINE-SOTTAS NEUROPATHY; Charcot-Marie-Tooth disease type 3; HEREDITARY MOTOR AND SENSORY NEUROPATHY TYPE III; HMSN Type III; Hereditary motor and sensory neuropathy 3. Identifiers: Orphanet 64748, MedGen C0011195, MONDO:0007790, OMIM 145900.
Charcot-Marie-Tooth disease. Also called: Charcot-Marie-Tooth Hereditary Neuropathy; Charcot-Marie-Tooth Neuropathy. Identifiers: Orphanet 166, MedGen C0007959, MONDO:0015626.

Allele frequency attached by ClinVar (database versions not stated): gnomAD 0.00007 and 0.00008; gnomAD exomes 0.00008; TOPMed 0.00009; ExAC 0.00010; ESP Exome Variant Server 0.00015.
gnomAD v4.1: 122 of 1,613,338 alleles (0.0076%); highest among the groups gnomAD compares: Middle Eastern, 0.016%; no homozygotes.

Submissions (8):

Ambry Genetics
Classification: Uncertain significance for Inborn genetic diseases. Last evaluated: 2023-10-25. Review status: criteria provided, single submitter. Criteria: Ambry Variant Classification Scheme 2023. Collection method: clinical testing. Allele origin: germline.

CeGaT Center for Human Genetics Tuebingen
Classification: Uncertain significance. Last evaluated: 2023-03-01. Review status: criteria provided, single submitter. Criteria: CeGaT Center For Human Genetics Tuebingen Variant Classification Criteria Version 2. Collection method: clinical testing. Allele origin: germline. Affected: yes. Observed: 1 variant allele.
Comment: PRX: PM2, BP4

Labcorp Genetics (formerly Invitae), Labcorp
Classification: Uncertain significance for Charcot-Marie-Tooth disease type 4. Last evaluated: 2022-08-19. Review status: criteria provided, single submitter. Criteria: Invitae Variant Classification Sherloc (09022015). Collection method: clinical testing. Allele origin: germline.
Comment: This sequence change replaces alanine, which is neutral and non-polar, with threonine, which is neutral and polar, at codon 1091 of the PRX protein (p.Ala1091Thr). This variant is present in population databases (rs368459753, gnomAD 0.02%). This variant has not been reported in the literature in individuals affected with PRX-related conditions. ClinVar contains an entry for this variant (Variation ID: 329257). Algorithms developed to predict the effect of missense changes on protein structure and function output the following: SIFT: "Tolerated"; PolyPhen-2: "Benign"; Align-GVGD: "Class C0". The threonine amino acid residue is found in multiple mammalian species, which suggests that this missense change does not adversely affect protein function. In summary, the available evidence is currently insufficient to determine the role of this variant in disease. Therefore, it has been classified as a Variant of Uncertain Significance.

Department of Pathology and Laboratory Medicine, Sinai Health System
Classification: Uncertain significance for Dejerine-Sottas disease; Charcot-Marie-Tooth disease type 4F. Last evaluated: 2022-07-28. Review status: criteria provided, single submitter. Criteria: ACMG Guidelines, 2015. Collection method: research. Allele origin: germline.

Illumina Laboratory Services, Illumina
Classification: Uncertain significance for Charcot-Marie-Tooth disease type 4F. Last evaluated: 2018-01-12. Review status: criteria provided, single submitter. Criteria: ICSL Variant Classification Criteria 13 December 2019. Collection method: clinical testing. Allele origin: germline.

Breakthrough Genomics
Classification: Uncertain significance. Review status: criteria provided, single submitter. Criteria: ACMG Guidelines, 2015. Collection method: not provided. Allele origin: germline. Inheritance: Autosomal dominant inheritance. Affected: yes.

Molecular Genetics Laboratory, London Health Sciences Centre
Classification: Uncertain significance for Charcot-Marie-Tooth disease. Review status: criteria provided, single submitter. Criteria: ACMG Guidelines, 2015. Collection method: clinical testing. Allele origin: germline. Affected: yes.

Genesis Genome Database
Classification: Uncertain significance for Charcot-Marie-Tooth disease. Last evaluated: 2019-08-14. Review status: no assertion criteria provided. Collection method: research. Allele origin: germline. Affected: yes. Not counted in ClinVar's aggregate classification.

NM_181882.3(PRX):c.3271G>A (p.Ala1091Thr)

Gene: PRX (periaxin; minus strand). Cytogenetic location: 19q13.2.
Variant type: single nucleotide variant.
Coding change: c.3271G>A on transcript NM_181882.3 (MANE Select); coding-DNA position 3271, G replaced by A.
Protein change: p.Ala1091Thr; replaces alanine 1091 with threonine.
Molecular consequence: missense variant. On other transcripts: 3 prime UTR variant (1).
Genome position (GRCh38, 1-based): chr19:40,395,081, C>T on the plus strand (G>A on the coding strand, the complement: PRX is on the minus strand). VCF-style: chr19-40395081-C-T. GRCh37 (hg19) VCF-style: chr19-40900988-C-T.
Other names: c.*3476G>A (NM_020956.2); short protein forms A1091T.
Identifiers: ClinVar variation 329257 (VCV000329257.40), dbSNP rs368459753, ClinGen allele CA9443891.